The following is an entry in ClinVar:

NM_030954.4(RNF170):c.281C>A (p.Ala94Asp)

Gene: RNF170 (ring finger protein 170; minus strand). Cytogenetic location: 8p11.21.
Variant type: single nucleotide variant.
Coding change: c.281C>A on transcript NM_030954.4 (MANE Select); coding-DNA position 281, C replaced by A.
Protein change: p.Ala94Asp; replaces alanine 94 with aspartic acid.
Molecular consequence: missense variant. On other transcripts: non-coding transcript variant (2).
Genome position (GRCh38, 1-based): chr8:42,870,045, G>T on the plus strand (C>A on the coding strand, the complement: RNF170 is on the minus strand). VCF-style: chr8-42870045-G-T. GRCh37 (hg19) VCF-style: chr8-42725188-G-T.
Other names: c.281C>A, p.Ala94Asp (NM_001160223.2, NM_001160224.2); c.29C>A, p.Ala10Asp (NM_001160225.2); short protein forms A10D, A94D.
Identifiers: ClinVar variation 5040515 (VCV005040515.1).

ClinVar aggregate classification (germline): Uncertain significance (1 of 4 stars; one submission).

Submission:

CeGaT Center for Human Genetics Tuebingen
Classification: Uncertain significance. Last evaluated: 2026-08-01. Review status: criteria provided, single submitter. Criteria: CeGaT Center For Human Genetics Tuebingen Variant Classification Criteria Version 2. Collection method: clinical testing. Allele origin: germline. Affected: yes. Observed: 1 variant allele.
Comment: RNF170: PM2